The following is an entry in ClinVar:

NM_001352702.2(PTK2):c.747A>G (p.Pro249=)

Gene: PTK2 (protein tyrosine kinase 2; minus strand). Cytogenetic location: 8q24.3.
Variant type: single nucleotide variant.
Coding change: c.747A>G on transcript NM_001352702.2 (MANE Select); coding-DNA position 747, A replaced by G.
Protein change: p.Pro249=; no amino-acid change (proline 249 retained).
Molecular consequence: synonymous variant. On other transcripts: 5 prime UTR variant (7), non-coding transcript variant (7).
Genome position (GRCh38, 1-based): chr8:140,818,922, T>C on the plus strand (A>G on the coding strand, the complement: PTK2 is on the minus strand). VCF-style: chr8-140818922-T-C. GRCh37 (hg19) VCF-style: chr8-141829021-T-C.
Other names: c.747A>G, p.Pro249= (NM_001199649.2, NM_001352694.2, NM_001352695.2 and 60 more transcripts); c.408A>G, p.Pro136= (NM_001316342.2, NM_001352696.2, NM_001352730.2 and 30 more transcripts); c.879A>G, p.Pro293= (NM_001352697.2, NM_001387643.1, NM_001387646.1 and 6 more transcripts); c.786A>G, p.Pro262= (NM_001352698.2, NM_001352705.2, NM_001387641.1 and 1 more transcripts); c.345A>G, p.Pro115= (NM_001352735.2, NM_001352742.2, NM_001352746.2); c.444A>G, p.Pro148= (NM_001352736.2); c.-893A>G (NM_001352747.2); c.-196A>G (NM_001387592.1, NM_001387604.1, NM_001387616.1 and 3 more transcripts); and 2 more.
Identifiers: ClinVar variation 4823357 (VCV004823357.4).

ClinVar aggregate classification (germline): Likely benign (1 of 4 stars; one submission).

Submission:

CeGaT Center for Human Genetics Tuebingen
Classification: Likely benign. Last evaluated: 2026-02-01. Review status: criteria provided, single submitter. Criteria: CeGaT Center For Human Genetics Tuebingen Variant Classification Criteria Version 2. Collection method: clinical testing. Allele origin: germline. Affected: yes. Observed: 1 variant allele.
Comment: PTK2: PM2:Supporting, BP4, BP7